The following is an entry in ClinVar:

ClinVar aggregate classification (germline): Uncertain significance. Review status: criteria provided, multiple submitters, no conflicts (2 of 4 stars). 2 submissions from 2 submitters: Uncertain significance (2). Last evaluated 2026-04-20.

Conditions:
Cardiovascular phenotype. Identifiers: MedGen CN230736.

Submissions (2):

Women's Health and Genetics/Laboratory Corporation of America, LabCorp
Classification: Uncertain significance. Last evaluated: 2026-04-20. Review status: criteria provided, single submitter. Criteria: LabCorp Variant Classification Summary - May 2015. Collection method: clinical testing. Allele origin: germline.

Ambry Genetics
Classification: Uncertain significance for Cardiovascular phenotype. Last evaluated: 2021-07-12. Review status: criteria provided, single submitter. Criteria: Ambry Variant Classification Scheme 2023. Collection method: clinical testing. Allele origin: germline.
Comment: The p.A2183V variant (also known as c.6548C>T), located in coding exon 2 of the ZNF469 gene, results from a C to T substitution at nucleotide position 6548. The alanine at codon 2183 is replaced by valine, an amino acid with similar properties. This amino acid position is conserved. In addition, this alteration is predicted to be tolerated by in silico analysis. Since supporting evidence is limited at this time, the clinical significance of this alteration remains unclear.

NM_001367624.2(ZNF469):c.6632C>T (p.Ala2211Val)

Gene: ZNF469 (zinc finger protein 469; plus strand). Cytogenetic location: 16q24.2.
Variant type: single nucleotide variant.
Coding change: c.6632C>T on transcript NM_001367624.2 (MANE Select); coding-DNA position 6632, C replaced by T.
Protein change: p.Ala2211Val; replaces alanine 2211 with valine.
Molecular consequence: missense variant.
Genome position (GRCh38, 1-based): chr16:88,434,102, C>T. VCF-style: chr16-88434102-C-T. GRCh37 (hg19) VCF-style: chr16-88500510-C-T.
Other names: NM_001127464.1:c.6548C>T; short protein forms A2211V.
Identifiers: ClinVar variation 1754128 (VCV001754128.3), dbSNP rs1034129997, ClinGen allele CA286381792.